The following is an entry in ClinVar:

ClinVar aggregate classification (germline): Likely benign (0 of 4 stars; one submission).

Conditions:
TRAPPC12-related disorder. Also called: TRAPPC12-related condition.

Submission:

PreventionGenetics, part of Exact Sciences
Classification: Likely benign for TRAPPC12-related condition. Last evaluated: 2019-08-16. Review status: no assertion criteria provided. Collection method: clinical testing. Allele origin: germline.
Comment: This variant is classified as likely benign based on ACMG/AMP sequence variant interpretation guidelines (Richards et al. 2015 PMID: 25741868, with internal and published modifications).

NM_016030.6(TRAPPC12):c.69T>A (p.Pro23=)

Gene: TRAPPC12 (trafficking protein particle complex subunit 12; plus strand). Cytogenetic location: 2p25.3.
Variant type: single nucleotide variant.
Coding change: c.69T>A on transcript NM_016030.6 (MANE Select); coding-DNA position 69, T replaced by A.
Protein change: p.Pro23=; no amino-acid change (proline 23 retained).
Molecular consequence: synonymous variant.
Genome position (GRCh38, 1-based): chr2:3,387,692, T>A. VCF-style: chr2-3387692-T-A. GRCh37 (hg19) VCF-style: chr2-3391463-T-A.
Other names: c.69T>A, p.Pro23= (NM_001321102.2).
Identifiers: ClinVar variation 3053837 (VCV003053837.2), dbSNP rs2528224077, ClinGen allele CA424594706.